The following is an entry in ClinVar:

NM_033026.6(PCLO):c.13571C>T (p.Pro4524Leu)

Gene: PCLO (piccolo presynaptic cytomatrix protein; minus strand). Cytogenetic location: 7q21.11.
Variant type: single nucleotide variant.
Coding change: c.13571C>T on transcript NM_033026.6 (MANE Select); coding-DNA position 13571, C replaced by T.
Protein change: p.Pro4524Leu; replaces proline 4524 with leucine.
Molecular consequence: missense variant.
Genome position (GRCh38, 1-based): chr7:82,879,420, G>A on the plus strand (C>T on the coding strand, the complement: PCLO is on the minus strand). VCF-style: chr7-82879420-G-A. GRCh37 (hg19) VCF-style: chr7-82508736-G-A.
Other names: c.13571C>T, p.Pro4524Leu (NM_014510.3); short protein forms P4524L.
Identifiers: ClinVar variation 1028490 (VCV001028490.23), dbSNP rs181317757, ClinGen allele CA4319098.

ClinVar aggregate classification (germline): Conflicting classifications of pathogenicity. Review status: criteria provided, conflicting classifications (1 of 4 stars). 4 submissions from 4 submitters: Uncertain significance (1); Likely benign (3). Last evaluated 2025-12-13.

Conditions:
Inborn genetic diseases. Identifiers: MedGen C0950123, MeSH D030342.
Pontocerebellar hypoplasia type 3 (PCH3). Also called: CEREBELLAR ATROPHY WITH PROGRESSIVE MICROCEPHALY; PCH WITH OPTIC ATROPHY. Identifiers: Orphanet 97249, MedGen C1842687, MONDO:0011948, OMIM 608027.

Allele frequency attached by ClinVar (database versions not stated): gnomAD exomes 0.00009 and 0.00020; ExAC 0.00040; ESP Exome Variant Server 0.00051; gnomAD 0.00075 and 0.00076; TOPMed 0.00080; 1000 Genomes Project 0.00120; 1000 Genomes Project 30x 0.00156.
gnomAD v4.1: 242 of 1,607,630 alleles (0.015%); highest among the groups gnomAD compares: African/African-American, 0.28%; 1 homozygote.

Submissions (4):

Labcorp Genetics (formerly Invitae), Labcorp
Classification: Likely benign. Last evaluated: 2025-12-13. Review status: criteria provided, single submitter. Criteria: Invitae Variant Classification Sherloc (09022015). Collection method: clinical testing. Allele origin: germline.

Ambry Genetics
Classification: Likely benign for Inborn genetic diseases. Last evaluated: 2025-05-13. Review status: criteria provided, single submitter. Criteria: Ambry Variant Classification Scheme 2023. Collection method: clinical testing. Allele origin: germline.

CeGaT Center for Human Genetics Tuebingen
Classification: Likely benign. Last evaluated: 2024-10-01. Review status: criteria provided, single submitter. Criteria: CeGaT Center For Human Genetics Tuebingen Variant Classification Criteria Version 2. Collection method: clinical testing. Allele origin: germline. Affected: yes. Observed: 1 variant allele.
Comment: PCLO: BS2

Baylor Genetics
Classification: Uncertain significance for Pontocerebellar hypoplasia type 3. Last evaluated: 2019-07-18. Review status: criteria provided, single submitter. Criteria: ACMG Guidelines, 2015. Collection method: clinical testing. Allele origin: unknown. Affected: yes.
Comment: This variant was determined to be of uncertain significance according to ACMG Guidelines, 2015 [PMID:25741868].